The following is an entry in ClinVar:

ClinVar aggregate classification (germline): Likely benign (1 of 4 stars; one submission).

Submission:

GeneDx
Classification: Likely benign. Last evaluated: 2017-03-27. Review status: criteria provided, single submitter. Criteria: GeneDx Variant Classification (06012015). Collection method: clinical testing. Allele origin: germline. Affected: yes.
Comment: This variant is considered likely benign or benign based on one or more of the following criteria: it is a conservative change, it occurs at a poorly conserved position in the protein, it is predicted to be benign by multiple in silico algorithms, and/or has population frequency not consistent with disease.

NM_000501.2(ELN):c.-37G>C

Gene: ELN (elastin; plus strand). Cytogenetic location: 7q11.23.
Variant type: single nucleotide variant.
Coding change: c.-37G>C on transcript NM_000501.2; 37 bases upstream of the start codon, G replaced by C.
Genome position (GRCh38, 1-based): chr7:74,028,151, G>C. VCF-style: chr7-74028151-G-C. GRCh37 (hg19) VCF-style: chr7-73442481-G-C.
Identifiers: ClinVar variation 508478 (VCV000508478.3), dbSNP rs782267385, ClinGen allele CA658796940.